The following is an entry in ClinVar:

ClinVar aggregate classification (germline): Uncertain significance (1 of 4 stars; one submission).

Conditions:
Hereditary cancer-predisposing syndrome. Also called: Neoplastic Syndromes, Hereditary; Tumor predisposition; Hereditary Cancer Syndrome; Hereditary neoplastic syndrome. Identifiers: Orphanet 140162, MedGen C0027672, MeSH D009386, MONDO:0015356.

Submission:

Ambry Genetics
Classification: Uncertain significance for Hereditary cancer-predisposing syndrome. Last evaluated: 2026-03-14. Review status: criteria provided, single submitter. Criteria: Ambry Variant Classification Scheme 2023. Collection method: clinical testing. Allele origin: germline.
Comment: The p.D513N variant (also known as c.1537G>A), located in coding exon 14 of the NF2 gene, results from a G to A substitution at nucleotide position 1537. The aspartic acid at codon 513 is replaced by asparagine, an amino acid with highly similar properties. This amino acid position is conserved. In addition, the in silico prediction for this alteration is inconclusive. Based on the available evidence, the clinical significance of this variant remains unclear.

NM_000268.4(NF2):c.1537G>A (p.Asp513Asn)

Gene: NF2 (NF2, moesin-ezrin-radixin like (MERLIN) tumor suppressor; plus strand). Cytogenetic location: 22q12.2.
Variant type: single nucleotide variant.
Coding change: c.1537G>A on transcript NM_000268.4 (MANE Select); coding-DNA position 1537, G replaced by A.
Protein change: p.Asp513Asn; replaces aspartic acid 513 with asparagine.
Molecular consequence: missense variant. On other transcripts: non-coding transcript variant (1), intron variant (1).
Genome position (GRCh38, 1-based): chr22:29,678,286, G>A. VCF-style: chr22-29678286-G-A. GRCh37 (hg19) VCF-style: chr22-30074275-G-A.
Other names: c.1423G>A, p.Asp475Asn (NM_001407053.1, NM_001407056.1); c.1414G>A, p.Asp472Asn (NM_001407054.1, NM_001407058.1, NM_181829.3); c.1411G>A, p.Asp471Asn (NM_001407055.1, NM_181828.3); c.1402G>A, p.Asp468Asn (NM_001407057.1, NM_001407059.1); c.1537G>A, p.Asp513Asn (NM_001407060.1, NM_001407066.1, NM_016418.5 and 2 more transcripts); c.1279G>A, p.Asp427Asn (NM_001407062.1); c.1288G>A, p.Asp430Asn (NM_001407063.1, NM_001407064.1, NM_181830.3 and 1 more transcripts); c.1003G>A, p.Asp335Asn (NM_001407065.1); and 2 more; short protein forms D468N, D472N, D513N, D427N, D430N, D436N, D475N, D471N.
Identifiers: ClinVar variation 4827553 (VCV004827553.1).